The following is an entry in ClinVar:

ClinVar aggregate classification (germline): Uncertain significance (1 of 4 stars; one submission).

Conditions:
Hereditary cancer-predisposing syndrome. Also called: Tumor predisposition; Neoplastic Syndromes, Hereditary; Hereditary Cancer Syndrome; Hereditary neoplastic syndrome. Identifiers: Orphanet 140162, MedGen C0027672, MeSH D009386, MONDO:0015356.

gnomAD v4.1: 1 of 1,614,150 alleles (0.000062%); highest among the groups gnomAD compares: South Asian, 0.0011%; no homozygotes.

Submission:

Ambry Genetics
Classification: Uncertain significance for Hereditary cancer-predisposing syndrome. Last evaluated: 2025-03-03. Review status: criteria provided, single submitter. Criteria: Ambry Variant Classification Scheme 2023. Collection method: clinical testing. Allele origin: germline.
Comment: The p.Q106P variant (also known as c.317A>C), located in coding exon 2 of the PDGFRA gene, results from an A to C substitution at nucleotide position 317. The glutamine at codon 106 is replaced by proline, an amino acid with similar properties. This amino acid position is conserved. In addition, this alteration is predicted to be tolerated by in silico analysis. Based on the available evidence, the clinical significance of this variant remains unclear.

NM_006206.6(PDGFRA):c.317A>C (p.Gln106Pro)

Gene: PDGFRA (platelet derived growth factor receptor alpha; plus strand). Cytogenetic location: 4q12.
Variant type: single nucleotide variant.
Coding change: c.317A>C on transcript NM_006206.6 (MANE Select); coding-DNA position 317, A replaced by C.
Protein change: p.Gln106Pro; replaces glutamine 106 with proline.
Molecular consequence: missense variant.
Genome position (GRCh38, 1-based): chr4:54,261,362, A>C. VCF-style: chr4-54261362-A-C. GRCh37 (hg19) VCF-style: chr4-55127529-A-C.
Other names: c.317A>C, p.Gln106Pro (NM_001347827.2, NM_001347829.2); c.392A>C, p.Gln131Pro (NM_001347828.2); c.356A>C, p.Gln119Pro (NM_001347830.2); short protein forms Q119P, Q106P, Q131P.
Identifiers: ClinVar variation 3887372 (VCV003887372.1).